The following is an entry in ClinVar:

ClinVar aggregate classification (germline): Uncertain significance (1 of 4 stars; one submission).

Conditions:
MAP1B-related disorder. Also called: MAP1B-related condition.

gnomAD v4.1: 2 of 1,613,608 alleles (0.00012%); highest among the groups gnomAD compares: Admixed American, 0.0033%; no homozygotes.

Submission:

PreventionGenetics, part of Exact Sciences
Classification: Uncertain significance for MAP1B-related condition. Last evaluated: 2024-11-19. Review status: criteria provided, single submitter. Criteria: ACMG Guidelines, 2015. Collection method: clinical testing. Allele origin: germline.
Comment: The MAP1B c.260C>G variant is predicted to result in the amino acid substitution p.Ser87Cys. To our knowledge, this variant has not been reported in the literature. This variant is reported in 0.0029% of alleles in individuals of Latino descent in gnomAD. At this time, the clinical significance of this variant is uncertain due to the absence of conclusive functional and genetic evidence.

NM_005909.5(MAP1B):c.260C>G (p.Ser87Cys)

Gene: MAP1B (microtubule associated protein 1B; plus strand). Cytogenetic location: 5q13.2.
Variant type: single nucleotide variant.
Coding change: c.260C>G on transcript NM_005909.5 (MANE Select); coding-DNA position 260, C replaced by G.
Protein change: p.Ser87Cys; replaces serine 87 with cysteine.
Molecular consequence: missense variant.
Genome position (GRCh38, 1-based): chr5:72,115,773, C>G. VCF-style: chr5-72115773-C-G. GRCh37 (hg19) VCF-style: chr5-71411600-C-G.
Other names: short protein forms S87C.
Identifiers: ClinVar variation 4987118 (VCV004987118.1).
Genomic context (GRCh38, chr5:72,115,773, plus strand): 5'-ACACAAACCTGATTGAATGCAACTTGGACCAAGAACTCAAACTTTTTGTATCTCGACACT[C>G]TGCAAGATTCTCTCCTGAAGTCCCAGGTGAGGCTTCCGCTCAGTGTTGGTCAGCCTAGAA-3'
Protein context (NP_005900.2, residues 77-97): QELKLFVSRH[Ser87Cys]ARFSPEVPGQ